The following is an entry in ClinVar:

NM_021813.4(BACH2):c.2321C>T (p.Ala774Val)

Gene: BACH2 (BACH transcriptional regulator 2; minus strand). Cytogenetic location: 6q15.
Variant type: single nucleotide variant.
Coding change: c.2321C>T on transcript NM_021813.4 (MANE Select); coding-DNA position 2321, C replaced by T.
Protein change: p.Ala774Val; replaces alanine 774 with valine.
Molecular consequence: missense variant.
Genome position (GRCh38, 1-based): chr6:89,932,613, G>A on the plus strand (C>T on the coding strand, the complement: BACH2 is on the minus strand). VCF-style: chr6-89932613-G-A. GRCh37 (hg19) VCF-style: chr6-90642332-G-A.
Other names: c.2321C>T, p.Ala774Val (NM_001170794.2); short protein forms A774V.
Identifiers: ClinVar variation 2169016 (VCV002169016.4), dbSNP rs375103380, ClinGen allele CA3927812.

ClinVar aggregate classification (germline): Uncertain significance (1 of 4 stars; one submission).

Allele frequency attached by ClinVar (database versions not stated): ExAC 0.00003; gnomAD exomes 0.00003; gnomAD 0.00006; TOPMed 0.00007; ESP Exome Variant Server 0.00008; 1000 Genomes Project 30x 0.00016; 1000 Genomes Project 0.00020.
gnomAD v4.1: 47 of 1,614,002 alleles (0.0029%); highest among the groups gnomAD compares: African/African-American, 0.013%; no homozygotes.

Submission:

Labcorp Genetics (formerly Invitae), Labcorp
Classification: Uncertain significance. Last evaluated: 2025-11-23. Review status: criteria provided, single submitter. Criteria: Invitae Variant Classification Sherloc (09022015). Collection method: clinical testing. Allele origin: germline.
Comment: This sequence change replaces alanine, which is neutral and non-polar, with valine, which is neutral and non-polar, at codon 774 of the BACH2 protein (p.Ala774Val). This variant is present in population databases (rs375103380, gnomAD 0.01%). This variant has not been reported in the literature in individuals affected with BACH2-related conditions. ClinVar contains an entry for this variant (Variation ID: 2169016). Invitae Evidence Modeling of protein sequence and biophysical properties (such as structural, functional, and spatial information, amino acid conservation, physicochemical variation, residue mobility, and thermodynamic stability) indicates that this missense variant is not expected to disrupt BACH2 protein function with a negative predictive value of 80%. In summary, the available evidence is currently insufficient to determine the role of this variant in disease. Therefore, it has been classified as a Variant of Uncertain Significance.